The following is an entry in ClinVar:

ClinVar aggregate classification (germline): Uncertain significance (1 of 4 stars; one submission).

Conditions:
Cardiovascular phenotype. Identifiers: MedGen CN230736.

Submission:

Ambry Genetics
Classification: Uncertain significance for Cardiovascular phenotype. Last evaluated: 2024-01-04. Review status: criteria provided, single submitter. Criteria: Ambry Variant Classification Scheme 2023. Collection method: clinical testing. Allele origin: germline.
Comment: The p.V1005E variant (also known as c.3014T>A), located in coding exon 29 of the MYBPC3 gene, results from a T to A substitution at nucleotide position 3014. The valine at codon 1005 is replaced by glutamic acid, an amino acid with dissimilar properties. This amino acid position is highly conserved in available vertebrate species. In addition, this alteration is predicted to be deleterious by in silico analysis. Since supporting evidence is limited at this time, the clinical significance of this alteration remains unclear.

NM_000256.3(MYBPC3):c.3014T>A (p.Val1005Glu)

Gene: MYBPC3 (myosin binding protein C3; minus strand). Cytogenetic location: 11p11.2.
Variant type: single nucleotide variant.
Coding change: c.3014T>A on transcript NM_000256.3 (MANE Select); coding-DNA position 3014, T replaced by A.
Protein change: p.Val1005Glu; replaces valine 1005 with glutamic acid.
Molecular consequence: missense variant.
Genome position (GRCh38, 1-based): chr11:47,333,733, A>T on the plus strand (T>A on the coding strand, the complement: MYBPC3 is on the minus strand). VCF-style: chr11-47333733-A-T. GRCh37 (hg19) VCF-style: chr11-47355284-A-T.
Other names: short protein forms V1005E.
Identifiers: ClinVar variation 1798834 (VCV001798834.2), dbSNP rs2495742144, ClinGen allele CA380315648.